The following is an entry in ClinVar:

NM_018127.7(ELAC2):c.798-20G>T

Gene: ELAC2 (elaC ribonuclease Z 2; minus strand). Cytogenetic location: 17p12.
Variant type: single nucleotide variant.
Coding change: c.798-20G>T on transcript NM_018127.7 (MANE Select); 20 bases into the intron before coding-DNA position 798, G replaced by T.
Molecular consequence: intron variant.
Genome position (GRCh38, 1-based): chr17:13,005,845, C>A on the plus strand (G>T on the coding strand, the complement: ELAC2 is on the minus strand). VCF-style: chr17-13005845-C-A. GRCh37 (hg19) VCF-style: chr17-12909162-C-A.
Other names: c.678-20G>T (NM_001165962.2, NM_001165962.1); c.798-20G>T (NM_173717.2).
Identifiers: ClinVar variation 380183 (VCV000380183.11), dbSNP rs77528900, ClinGen allele CA8401481.
Genomic context (GRCh38, chr17:13,005,845, plus strand): 5'-CCTTGACAGCAGCAATGATGGGAGCGATGGCAGCTGTCCCACTGAAATGAAGAGGCAAGG[C>A]CTCTGTGAAATGTGATTTCCTTAAGTGGACAGGTGTACCCAGTGAGTCCCCAGAAGCCTT-3'

ClinVar aggregate classification (germline): Benign. Review status: criteria provided, multiple submitters, no conflicts (2 of 4 stars). 5 submissions from 5 submitters: Benign (5). Last evaluated 2026-02-03.

Conditions:
Combined oxidative phosphorylation defect type 17. Also called: Combined oxidative phosphorylation deficiency 17. Identifiers: Orphanet 369913, MedGen C3809526, MONDO:0014190, OMIM 615440.
Prostate cancer, hereditary, 2 (HPC2). Identifiers: Orphanet 1331, MedGen C3539120, MONDO:0013872, OMIM 614731.

Allele frequency attached by ClinVar (database versions not stated): 1000 Genomes Project 0.03255; 1000 Genomes Project 30x 0.03389; TOPMed 0.03627; ExAC 0.03665; gnomAD exomes 0.03673 and 0.03849; gnomAD 0.03701 and 0.03735; ESP Exome Variant Server 0.03791.

Submissions (5):

Labcorp Genetics (formerly Invitae), Labcorp
Classification: Benign for Combined oxidative phosphorylation defect type 17. Last evaluated: 2026-02-03. Review status: criteria provided, single submitter. Criteria: Invitae Variant Classification Sherloc (09022015). Collection method: clinical testing. Allele origin: germline.

Blueprint Genetics
Classification: Benign. Last evaluated: 2024-11-27. Review status: criteria provided, single submitter. Criteria: ACMG Guidelines, 2015. Collection method: clinical testing. Allele origin: germline.

KCCC/NGS Laboratory, Kuwait Cancer Control Center
Classification: Benign for Prostate cancer, hereditary, 2. Last evaluated: 2023-07-07. Review status: criteria provided, single submitter. Criteria: ACMG Guidelines, 2015. Collection method: clinical testing. Allele origin: germline. Affected: yes.

GeneDx
Classification: Benign. Last evaluated: 2015-12-17. Review status: criteria provided, single submitter. Criteria: GeneDx Variant Classification (06012015). Collection method: clinical testing. Allele origin: germline. Affected: yes.
Comment: This variant is considered likely benign or benign based on one or more of the following criteria: it is a conservative change, it occurs at a poorly conserved position in the protein, it is predicted to be benign by multiple in silico algorithms, and/or has population frequency not consistent with disease.

Breakthrough Genomics
Classification: Benign. Review status: criteria provided, single submitter. Criteria: ACMG Guidelines, 2015. Collection method: not provided. Allele origin: germline. Inheritance: Autosomal recessive inheritance. Affected: yes.